The following is an entry in ClinVar:

ClinVar aggregate classification (germline): Uncertain significance (1 of 4 stars; one submission).

Conditions:
Hereditary cancer-predisposing syndrome. Also called: Neoplastic Syndromes, Hereditary; Tumor predisposition; Hereditary Cancer Syndrome; Hereditary neoplastic syndrome. Identifiers: Orphanet 140162, MedGen C0027672, MeSH D009386, MONDO:0015356.

gnomAD v4.1: 2 of 1,613,936 alleles (0.00012%); highest among the groups gnomAD compares: Non-Finnish European, 0.00017%; no homozygotes.

Submission:

Ambry Genetics
Classification: Uncertain significance for Hereditary cancer-predisposing syndrome. Last evaluated: 2024-11-22. Review status: criteria provided, single submitter. Criteria: Ambry Variant Classification Scheme 2023. Collection method: clinical testing. Allele origin: germline.
Comment: The p.S1042W variant (also known as c.3125C>G), located in coding exon 22 of the PDGFRA gene, results from a C to G substitution at nucleotide position 3125. The serine at codon 1042 is replaced by tryptophan, an amino acid with highly dissimilar properties. This amino acid position is conserved. In addition, the in silico prediction for this alteration is inconclusive. Based on the available evidence, the clinical significance of this variant remains unclear.

NM_006206.6(PDGFRA):c.3125C>G (p.Ser1042Trp)

Gene: PDGFRA (platelet derived growth factor receptor alpha; plus strand). Cytogenetic location: 4q12.
Variant type: single nucleotide variant.
Coding change: c.3125C>G on transcript NM_006206.6 (MANE Select); coding-DNA position 3125, C replaced by G.
Protein change: p.Ser1042Trp; replaces serine 1042 with tryptophan.
Molecular consequence: missense variant.
Genome position (GRCh38, 1-based): chr4:54,295,127, C>G. VCF-style: chr4-54295127-C-G. GRCh37 (hg19) VCF-style: chr4-55161294-C-G.
Other names: c.3200C>G, p.Ser1067Trp (NM_001347828.2); c.3125C>G, p.Ser1042Trp (NM_001347829.2); c.3164C>G, p.Ser1055Trp (NM_001347830.2); short protein forms S1067W, S1055W, S1042W.
Identifiers: ClinVar variation 3416446 (VCV003416446.1).